The following is an entry in ClinVar:

ClinVar aggregate classification (germline): Conflicting classifications of pathogenicity. Review status: criteria provided, conflicting classifications (1 of 4 stars). 22 submissions from 17 submitters: Pathogenic (4); Likely pathogenic (1); Uncertain significance (1). 16 of the submissions do not count toward it. Last evaluated 2026-03-11.
ClinVar aggregate classification (somatic clinical impact): Tier I - Strong. Review status: criteria provided, multiple submitters. 21 submissions from 3 submitters. 5 of the submissions do not count toward it. Last evaluated 2025-11-05.
ClinVar aggregate classification (oncogenicity): Oncogenic. Review status: criteria provided, single submitter (1 of 4 stars). 2 submissions from 2 submitters. 1 of the submissions does not count toward it. Last evaluated 2025-03-04.

Conditions:
BRAF-related glioma susceptibility.
Malignant neoplastic disease. Also called: Cancer. Identifiers: MedGen C0006826, MONDO:0004992.
Lymphangioma. Identifiers: Orphanet 2415, MedGen C0024221, MONDO:0002013, HP:0100764.
Cystic epithelial invagination containing papillae lined by columnar epithelium.
Melanoma. Identifiers: MedGen C0025202, MeSH D008545, MONDO:0005105, HP:0002861.
Vascular malformation. Also called: Vascular malformations. Identifiers: MedGen C0158570, MONDO:0024291.
Cardiovascular phenotype. Identifiers: MedGen CN230736.
Nephroblastoma. Also called: Wilms' tumor; Wilms tumor. Identifiers: Orphanet 654, MedGen C0027708, MeSH D009396, MONDO:0006058, HP:0002667.
Cardio-facio-cutaneous syndrome. Also called: Cardiofaciocutaneous syndrome; CFC syndrome. Identifiers: Orphanet 1340, MedGen C1275081, MONDO:0015280. Disease mechanism: gain of function.
RASopathy. Also called: rasopathies; Noonan spectrum disorder. Identifiers: Orphanet 536391, MedGen C5555857, MONDO:0021060.
Nongerminomatous germ cell tumor. Also called: Non-seminomatous germ-cell tumors; NONSEMINOMATOUS GERM CELL TUMORS, SOMATIC; Germ cell tumor, nonseminomatous. Identifiers: MedGen C1266158, MONDO:0021656.
Papillary thyroid carcinoma. Also called: NONMEDULLARY THYROID CARCINOMA, PAPILLARY; Thyroid gland papillary carcinoma; Thyroid carcinoma, papillary, somatic. Identifiers: Orphanet 146, MedGen C0238463, MeSH D000077273, MONDO:0005075, HP:0002895.
Multiple myeloma (MM). Also called: Plasma cell myeloma; Multiple myeloma, somatic. Identifiers: Orphanet 29073, Orphanet 85443, MedGen C0026764, MeSH D009101, MONDO:0009693, OMIM 254500, HP:0006775.
Cerebral arteriovenous malformation (BAVM). Also called: CEREBRAL ARTERIOVENOUS MALFORMATIONS; Arteriovenous malformations of the brain. Identifiers: Orphanet 46724, MedGen C0917804, MONDO:0007154, OMIM 108010, HP:0002408.
ASTROCYTOMA, LOW-GRADE, SOMATIC. Identifiers: MedGen C2674727.
Non-small cell lung carcinoma (NSCLC). Also called: Non-small cell lung cancer. Identifiers: MedGen C0007131, MeSH D002289, MONDO:0005233, HP:0030358. Disease mechanism: Other.
Carcinoma of colon (CRC). Also called: Colon carcinoma; Colonic carcinoma. Identifiers: MedGen C0699790, MONDO:0002032.
Dysembryoplastic neuroepithelial tumor. Identifiers: Orphanet 251946, MedGen C1266177, MONDO:0005505, HP:0033703.
Diffuse leptomeningeal glioneuronal tumor. Identifiers: MedGen C4329735, MONDO:0858956.
Nodular ganglioneuroblastoma. Identifiers: MedGen C1517445, MONDO:0003325.
Polymorphous low grade neuroepithelial tumor of the young. Also called: Polymorphous low grade neuroepithelial tumour of the young. Identifiers: MedGen C5556330, MONDO:0858959.
Diffuse low-grade glioma, MAPK pathway–altered. Identifiers: MedGen CN372173, MONDO:0859614.
Benign metanephric tumor. Also called: Benign metanephric tumour. Identifiers: Orphanet 464359, MedGen C5681098, MONDO:0018738.
Malignant peripheral nerve sheath tumor. Identifiers: Orphanet 3148, MedGen C0751690, MONDO:0017827, HP:0100697.
IDH-wildtype glioblastoma. Identifiers: MedGen CN372125, MONDO:0850335.
Pleomorphic xanthoastrocytoma (PXA). Identifiers: Orphanet 251607, MedGen C0334586, MONDO:0016690, HP:0033682.
Diffuse midline glioma, H3 K27M-mutant. Identifiers: MedGen C4289688, MONDO:0957196.
Ganglioglioma. Also called: Mixed cell tumors containing both neural ganglionic cells and neural glial cell components. Identifiers: Orphanet 251949, MedGen C0206716, MONDO:0016733, HP:0033664.
Malignant glioma. Identifiers: MedGen C0555198, MONDO:0100342, MONDO:0015917.
Spindle cell sarcoma. Identifiers: MedGen C0205945, MeSH D012509, MONDO:0002927.
Embryonal rhabdomyosarcoma (ERMS). Also called: Botryoid rhabdomyosarcoma (type of ERMS); Spindle cell rhabdomyosarcomas (type of ERMS). Identifiers: Orphanet 99757, MedGen C0206656, MONDO:0009993, HP:0006743.
Colorectal cancer. Also called: Colorectal cancer, somatic; Malignant Colorectal Neoplasm. Identifiers: MedGen C0346629, MONDO:0005575, OMIM 114500.
Neuroblastoma (NB). Identifiers: Orphanet 635, MedGen C0027819, MeSH D009447, MONDO:0005072, HP:0003006.
Alveolar rhabdomyosarcoma (RMS2). Also called: Alveolar rhabdomyosarcoma (disease); RHABDOMYOSARCOMA 2. Identifiers: Orphanet 780, Orphanet 99756, MedGen C0206655, MONDO:0009994, OMIM 268220, HP:0006779.
Pilocytic astrocytoma. Also called: Pilocytic astrocytoma, somatic. Identifiers: Orphanet 251612, MedGen C0334583, MONDO:0016691, HP:0033680.
Neoplasm. Also called: tumor; Neoplasms; Neoplasm (disease). Identifiers: MedGen C0027651, MeSH D009369, MONDO:0005070, HP:0002664.
Thyroid gland undifferentiated (anaplastic) carcinoma. Also called: Thyroid cancer, anaplastic; Anaplastic thyroid carcinoma; Thyroid carcinoma, anaplastic, somatic. Identifiers: Orphanet 142, MedGen C0238461, MeSH D065646, MONDO:0006468, HP:0011779.

Allele frequency attached by ClinVar (database versions not stated): gnomAD exomes below 0.00001; ExAC 0.00002.
gnomAD v4.1: 2 of 1,612,922 alleles (0.00012%); highest among the groups gnomAD compares: South Asian, 0.0011%; no homozygotes.

Submissions 1 to 4 of 45:

Undiagnosed Diseases Network, NIH
Classification: Pathogenic for BRAF-related glioma susceptibility. Last evaluated: 2026-03-11. Review status: criteria provided, single submitter. Criteria: ACMG Guidelines, 2015. Collection method: clinical testing. Allele origin: unknown. Affected: yes. Observed: 1 variant allele, 1 mosaic individual. Study: Undiagnosed Diseases Network (NIH), UDN.

Institute for Genomic Medicine (IGM) Clinical Laboratory, Nationwide Children's Hospital
Classification: Tier I - Strong for Dysembryoplastic neuroepithelial tumor. Assertion type: diagnostic. Clinical significance: supports diagnosis. Last evaluated: 2025-11-05. Review status: criteria provided, single submitter. Criteria: AMP/ASCO/CAP Guidelines, 2017. Collection method: clinical testing. Allele origin: somatic. Affected: yes.
Comment: Variant has Tier I (strong) clinical significance as a diagnostic inclusion criterion in dysembryoplastic neuroepithelial tumor, based on the following evidence: 1) Documented in one or more cancer databases (e.g., St. Jude Pecan, COSMIC, CIViC, OncoKB). 2) Appears in one or more well-established professional guidelines (e.g., World Health Organization [WHO]; National Comprehensive Cancer Network [NCCN]) as providing diagnostic, prognostic, or therapeutic information. 3) Information in the literature supports potential biologic effect of variant (PMID: 17496922). 4) Diagnostic for a specific tumor type/classification based on well-powered studies with expert-level consensus (Evidence Level B; PMIDs: 25346165, 26810070, 23442159, 31617914, 32164789).

Institute for Genomic Medicine (IGM) Clinical Laboratory, Nationwide Children's Hospital
Classification: Tier I - Strong for Malignant peripheral nerve sheath tumor. Assertion type: diagnostic. Clinical significance: supports diagnosis. Last evaluated: 2025-06-06. Review status: criteria provided, single submitter. Criteria: AMP/ASCO/CAP Guidelines, 2017. Collection method: clinical testing. Allele origin: somatic. Affected: yes.
Comment: Variant has Tier I (strong) clinical significance as a diagnostic inclusion criterion in malignant peripheral nerve sheath tumor, based on the following evidence: 1) Documented in one or more cancer databases (e.g., St. Jude Pecan, COSMIC, CIViC, OncoKB). 2) Information in the literature supports potential biologic effect of variant. 3) Diagnostic for a specific tumor type/classification based on well-powered studies with expert-level consensus (Evidence Level B; PMIDs: 36067829, 24366910, 30099373).

Institute for Genomic Medicine (IGM) Clinical Laboratory, Nationwide Children's Hospital
Classification: Tier I - Strong for Malignant glioma. Assertion type: diagnostic. Clinical significance: supports diagnosis. Last evaluated: 2025-06-03. Review status: criteria provided, single submitter. Criteria: AMP/ASCO/CAP Guidelines, 2017. Collection method: clinical testing. Allele origin: somatic. Affected: yes.
Comment: Variant has Tier I (strong) clinical significance as a diagnostic inclusion criterion in malignant glioma, based on the following evidence: 1) Documented in one or more cancer databases (e.g., St. Jude Pecan, COSMIC, CIViC, OncoKB). 2) Appears in one or more well-established professional guidelines (e.g., World Health Organization [WHO]; National Comprehensive Cancer Network [NCCN]) as providing diagnostic, prognostic, or therapeutic information. 3) Information in the literature supports potential biologic effect of variant (PMID: 17496922). 4) Diagnostic for a specific tumor type/classification based on well-powered studies with expert-level consensus (Evidence Level B; PMIDs: 23583981, 28912153, 28966033, 25752754, 23552385, 29763623).

NM_004333.6(BRAF):c.1799T>A (p.Val600Glu)

Gene: BRAF (B-Raf proto-oncogene, serine/threonine kinase; minus strand). Cytogenetic location: 7q34.
Variant type: single nucleotide variant.
Coding change: c.1799T>A on transcript NM_004333.6 (MANE Select); coding-DNA position 1799, T replaced by A.
Protein change: p.Val600Glu; replaces valine 600 with glutamic acid.
Molecular consequence: missense variant.
Genome position (GRCh38, 1-based): chr7:140,753,336, A>T on the plus strand (T>A on the coding strand, the complement: BRAF is on the minus strand). VCF-style: chr7-140753336-A-T. GRCh37 (hg19) VCF-style: chr7-140453136-A-T.
Other names: VAL640GLU; c.1799T>A, p.Val600Glu (NM_001354609.2, NM_001378468.1, NM_001378474.1); c.1919T>A, p.Val640Glu (NM_001374244.1, NM_001374258.1); c.1808T>A, p.Val603Glu (NM_001378467.1); c.1733T>A, p.Val578Glu (NM_001378469.1); c.1697T>A, p.Val566Glu (NM_001378470.1); c.1688T>A, p.Val563Glu (NM_001378471.1); c.1643T>A, p.Val548Glu (NM_001378472.1, NM_001378473.1); and 1 more; short protein forms V600E, V512E, V578E, V603E, V548E, V566E, V563E, V640E.
Identifiers: ClinVar variation 13961 (VCV000013961.143), dbSNP rs113488022, ClinGen allele CA123643.
Genomic context (GRCh38, chr7:140,753,336, plus strand): 5'-ATCCACAAAATGGATCCAGACAACTGTTCAAACTGATGGGACCCACTCCATCGAGATTTC[A>T]CTGTAGCTAGACCAAAATCACCTATTTTTACTGTGAGGTCTTCATGAAGAAATATATCTG-3'
Protein context (NP_004324.2, residues 590-610): VKIGDFGLAT[Val600Glu]KSRWSGSHQF